The following is an entry in ClinVar:

NM_007078.3(LDB3):c.532C>G (p.Arg178Gly)

Gene: LDB3 (LIM domain binding 3; plus strand). Cytogenetic location: 10q23.2.
Variant type: single nucleotide variant.
Coding change: c.532C>G on transcript NM_007078.3 (MANE Select); coding-DNA position 532, C replaced by G.
Protein change: p.Arg178Gly; replaces arginine 178 with glycine.
Molecular consequence: missense variant. On other transcripts: intron variant (5).
Genome position (GRCh38, 1-based): chr10:86,681,646, C>G. VCF-style: chr10-86681646-C-G. GRCh37 (hg19) VCF-style: chr10-88441403-C-G.
Other names: c.532C>G, p.Arg178Gly (NM_001080115.2, NM_001171610.2, NM_001171611.2 and 3 more transcripts); c.321+1489C>G (NM_001368068.1, NM_001368066.1, NM_001080114.2 and 2 more transcripts); short protein forms R178G.
Identifiers: ClinVar variation 180400 (VCV000180400.11), dbSNP rs730880128, ClinGen allele CA346425.

ClinVar aggregate classification (germline): Conflicting classifications of pathogenicity. Review status: criteria provided, conflicting classifications (1 of 4 stars). 4 submissions from 4 submitters: Uncertain significance (1); Likely benign (3). Last evaluated 2025-09-01.

Conditions:
Cardiovascular phenotype. Identifiers: MedGen CN230736.
Myofibrillar myopathy 4. Also called: Zaspopathy (type). Identifiers: Orphanet 98912, MedGen C4721886, MONDO:0012277, OMIM 609452.

Allele frequency attached by ClinVar (database versions not stated): TOPMed 0.00001; gnomAD 0.00003 and 0.00004.

Submissions (4):

CeGaT Center for Human Genetics Tuebingen
Classification: Likely benign. Last evaluated: 2025-09-01. Review status: criteria provided, single submitter. Criteria: CeGaT Center For Human Genetics Tuebingen Variant Classification Criteria Version 2. Collection method: clinical testing. Allele origin: germline. Affected: yes. Observed: 1 variant allele.
Comment: LDB3: BP4, BS2

Labcorp Genetics (formerly Invitae), Labcorp
Classification: Uncertain significance for Myofibrillar myopathy 4. Last evaluated: 2025-09-01. Review status: criteria provided, single submitter. Criteria: Invitae Variant Classification Sherloc (09022015). Collection method: clinical testing. Allele origin: germline.
Comment: The LDB3 gene has multiple clinically relevant transcripts. This variant occurs in alternate transcript NM_007078.3, and corresponds to NM_001080116.1:c.321+1489C>G in the primary transcript. This sequence change replaces arginine, which is basic and polar, with glycine, which is neutral and non-polar, at codon 178 of the LDB3 protein (p.Arg178Gly). This variant is present in population databases (rs730880128, gnomAD 0.08%). This variant has not been reported in the literature in individuals affected with LDB3-related conditions. ClinVar contains an entry for this variant (Variation ID: 180400). Experimental studies and prediction algorithms are not available or were not evaluated, and the functional significance of this variant is currently unknown. Algorithms developed to predict the effect of sequence changes on RNA splicing suggest that this variant is not likely to affect RNA splicing. In summary, the available evidence is currently insufficient to determine the role of this variant in disease. Therefore, it has been classified as a Variant of Uncertain Significance.

Ambry Genetics
Classification: Likely benign for Cardiovascular phenotype. Last evaluated: 2023-02-10. Review status: criteria provided, single submitter. Criteria: Ambry Variant Classification Scheme 2023. Collection method: clinical testing. Allele origin: germline.

Blueprint Genetics
Classification: Likely benign. Last evaluated: 2022-02-02. Review status: criteria provided, single submitter. Criteria: ACMG Guidelines, 2015. Collection method: clinical testing. Allele origin: germline.